The following is an entry in ClinVar:

ClinVar aggregate classification (germline): Conflicting classifications of pathogenicity. Review status: criteria provided, conflicting classifications (1 of 4 stars). 4 submissions from 4 submitters: Uncertain significance (3); Benign (1). Last evaluated 2026-08-06.

Conditions:
Myofibrillar myopathy 4. Also called: Zaspopathy (type). Identifiers: Orphanet 98912, MedGen C4721886, MONDO:0012277, OMIM 609452.
Cardiovascular phenotype. Identifiers: MedGen CN230736.

Allele frequency attached by ClinVar (database versions not stated): gnomAD exomes 0.00006 and 0.00003; 1000 Genomes Project 30x 0.00016; ExAC 0.00009; 1000 Genomes Project 0.00020; gnomAD 0.00001.
gnomAD v4.1: 50 of 1,612,684 alleles (0.0031%); highest among the groups gnomAD compares: South Asian, 0.055%; no homozygotes.

Submissions (4):

OLLIN Analises Genomicas, OLLIN
Classification: Uncertain significance for Myofibrillar myopathy 4. Last evaluated: 2026-08-06. Review status: criteria provided, single submitter. Criteria: ACMG Guidelines 2015 PMID 25741868. Collection method: clinical testing. Allele origin: germline. Inheritance: Autosomal dominant inheritance.
Comment: This missense variant, located in exon 10 (of 14), has been reported in ClinVar (accession VCV001495178.7) and in gnomAD with an allele frequency of 0.0031%. However, to our knowledge, it has not been reported in the scientific literature. In silico analysis predicts that this variant has a tolerated effect. According to the currently available evidence, this variant has been classified as uncertain significance (BP4_M).

Ambry Genetics
Classification: Uncertain significance for Cardiovascular phenotype. Last evaluated: 2025-09-05. Review status: criteria provided, single submitter. Criteria: Ambry Variant Classification Scheme 2023. Collection method: clinical testing. Allele origin: germline.

Labcorp Genetics (formerly Invitae), Labcorp
Classification: Uncertain significance for Myofibrillar myopathy 4. Last evaluated: 2025-05-06. Review status: criteria provided, single submitter. Criteria: Invitae Variant Classification Sherloc (09022015). Collection method: clinical testing. Allele origin: germline.
Comment: The LDB3 gene has multiple clinically relevant transcripts. This variant occurs in alternate transcript NM_007078.3, and corresponds to NM_001080116.1:c.*17151A>G in the primary transcript. This sequence change replaces tyrosine, which is neutral and polar, with cysteine, which is neutral and slightly polar, at codon 477 of the LDB3 protein (p.Tyr477Cys). This variant is present in population databases (rs529178109, gnomAD 0.05%). This variant has not been reported in the literature in individuals affected with LDB3-related conditions. Experimental studies and prediction algorithms are not available or were not evaluated, and the functional significance of this variant is currently unknown. In summary, the available evidence is currently insufficient to determine the role of this variant in disease. Therefore, it has been classified as a Variant of Uncertain Significance.

Blueprint Genetics
Classification: Benign. Last evaluated: 2021-11-04. Review status: criteria provided, single submitter. Criteria: ACMG Guidelines, 2015. Collection method: clinical testing. Allele origin: germline.

NM_007078.3(LDB3):c.1430A>G (p.Tyr477Cys)

Gene: LDB3 (LIM domain binding 3; plus strand). Cytogenetic location: 10q23.2.
Variant type: single nucleotide variant.
Coding change: c.1430A>G on transcript NM_007078.3 (MANE Select); coding-DNA position 1430, A replaced by G.
Protein change: p.Tyr477Cys; replaces tyrosine 477 with cysteine.
Molecular consequence: missense variant.
Genome position (GRCh38, 1-based): chr10:86,716,525, A>G. VCF-style: chr10-86716525-A-G. GRCh37 (hg19) VCF-style: chr10-88476282-A-G.
Other names: c.1100A>G, p.Tyr367Cys (NM_001080114.2); c.1445A>G, p.Tyr482Cys (NM_001171610.2); c.1241A>G, p.Tyr414Cys (NM_001368064.1, NM_001368065.1); c.1289A>G, p.Tyr430Cys (NM_001368066.1); c.1430A>G (NM_007078.2); short protein forms Y367C, Y430C, Y477C, Y482C, Y414C.
Identifiers: ClinVar variation 1495178 (VCV001495178.9), dbSNP rs529178109, ClinGen allele CA5585159.